The following is an entry in ClinVar:

ClinVar aggregate classification (germline): Uncertain significance (1 of 4 stars; one submission).

Conditions:
Inborn genetic diseases. Identifiers: MedGen C0950123, MeSH D030342.

Allele frequency attached by ClinVar (database versions not stated): gnomAD exomes below 0.00001.
gnomAD v4.1: 1 of 1,614,052 alleles (0.000062%); highest among the groups gnomAD compares: East Asian, 0.0022%; no homozygotes.

Submission:

Ambry Genetics
Classification: Uncertain significance for Inborn genetic diseases. Last evaluated: 2021-08-31. Review status: criteria provided, single submitter. Criteria: Ambry Variant Classification Scheme 2023. Collection method: clinical testing. Allele origin: germline.
Comment: The p.P316R variant (also known as c.947C>G), located in coding exon 7 of the CDH2 gene, results from a C to G substitution at nucleotide position 947. The proline at codon 316 is replaced by arginine, an amino acid with dissimilar properties. This amino acid position is conserved. In addition, the in silico prediction for this alteration is inconclusive. Since supporting evidence is limited at this time, the clinical significance of this alteration remains unclear.

NM_001792.5(CDH2):c.947C>G (p.Pro316Arg)

Gene: CDH2 (cadherin 2; minus strand). Cytogenetic location: 18q12.1.
Variant type: single nucleotide variant.
Coding change: c.947C>G on transcript NM_001792.5 (MANE Select); coding-DNA position 947, C replaced by G.
Protein change: p.Pro316Arg; replaces proline 316 with arginine.
Molecular consequence: missense variant.
Genome position (GRCh38, 1-based): chr18:28,003,070, G>C on the plus strand (C>G on the coding strand, the complement: CDH2 is on the minus strand). VCF-style: chr18-28003070-G-C. GRCh37 (hg19) VCF-style: chr18-25583034-G-C.
Other names: c.854C>G, p.Pro285Arg (NM_001308176.2); short protein forms P285R, P316R.
Identifiers: ClinVar variation 1767090 (VCV001767090.2), dbSNP rs2510808416, ClinGen allele CA402242817.